The following is an entry in ClinVar:

ClinVar aggregate classification (germline): Uncertain significance. Review status: criteria provided, single submitter (1 of 4 stars). 3 submissions from 3 submitters: Uncertain significance (1). 2 of the submissions do not count toward it. Last evaluated 2023-02-06.

Conditions:
GATA3-related disorder. Also called: GATA3-related condition.
Inborn genetic diseases. Identifiers: MedGen C0950123, MeSH D030342.
Hypoparathyroidism, deafness, renal disease syndrome (HDRS). Also called: HYPOPARATHYROIDISM, SENSORINEURAL DEAFNESS, AND RENAL DYSPLASIA SYNDROME. Identifiers: Orphanet 2237, MedGen C1840333, MONDO:0007797, OMIM 146255.

Allele frequency attached by ClinVar (database versions not stated): ExAC 0.00011; TOPMed 0.00002; gnomAD 0.00003.
gnomAD v4.1: 74 of 1,612,906 alleles (0.0046%); highest among the groups gnomAD compares: South Asian, 0.068%; 1 homozygote.

Submissions (3):

Ambry Genetics
Classification: Uncertain significance for Inborn genetic diseases. Last evaluated: 2023-02-06. Review status: criteria provided, single submitter. Criteria: Ambry Variant Classification Scheme 2023. Collection method: clinical testing. Allele origin: germline.

Biochemistry Department, Nishtar Medical University
Classification: Uncertain significance for Hypoparathyroidism, deafness, renal disease syndrome. Last evaluated: 2024-03-25. Review status: no assertion criteria provided. Collection method: clinical testing. Allele origin: germline. Affected: yes. Observed: 1 variant allele. Not counted in ClinVar's aggregate classification.

PreventionGenetics, part of Exact Sciences
Classification: Uncertain significance for GATA3-related condition. Last evaluated: 2023-10-25. Review status: no assertion criteria provided. Collection method: clinical testing. Allele origin: germline. Not counted in ClinVar's aggregate classification.
Comment: The GATA3 c.649C>G variant is predicted to result in the amino acid substitution p.His217Asp. To our knowledge, this variant has not been reported in the literature. This variant is reported in 0.052% of alleles in individuals of South Asian descent in gnomAD. Although we suspect that this variant may be benign, at this time, the clinical significance of this variant is uncertain due to the absence of conclusive functional and genetic evidence.

NM_001002295.2(GATA3):c.649C>G (p.His217Asp)

Gene: GATA3 (GATA binding protein 3; plus strand). Cytogenetic location: 10p14.
Variant type: single nucleotide variant.
Coding change: c.649C>G on transcript NM_001002295.2 (MANE Select); coding-DNA position 649, C replaced by G.
Protein change: p.His217Asp; replaces histidine 217 with aspartic acid.
Molecular consequence: missense variant.
Genome position (GRCh38, 1-based): chr10:8,058,712, C>G. VCF-style: chr10-8058712-C-G. GRCh37 (hg19) VCF-style: chr10-8100675-C-G.
Other names: c.649C>G, p.His217Asp (NM_002051.3); short protein forms H217D.
Identifiers: ClinVar variation 2469897 (VCV002469897.5), dbSNP rs568425942, ClinGen allele CA5404420.